The following is an entry in ClinVar:

ClinVar aggregate classification (germline): Likely benign (1 of 4 stars; one submission).

Allele frequency attached by ClinVar (database versions not stated): gnomAD exomes below 0.00001.
gnomAD v4.1: 1 of 1,594,894 alleles (0.000063%); highest among the groups gnomAD compares: African/African-American, 0.0013%; no homozygotes.

Submission:

CeGaT Center for Human Genetics Tuebingen
Classification: Likely benign. Last evaluated: 2023-03-01. Review status: criteria provided, single submitter. Criteria: CeGaT Center For Human Genetics Tuebingen Variant Classification Criteria Version 2. Collection method: clinical testing. Allele origin: germline. Affected: yes. Observed: 1 variant allele.
Comment: KLHL26: PM2:Supporting, BP4, BP7

NM_018316.3(KLHL26):c.1380C>A (p.Gly460=)

Gene: KLHL26 (kelch like family member 26; plus strand). Cytogenetic location: 19p13.11.
Variant type: single nucleotide variant.
Coding change: c.1380C>A on transcript NM_018316.3 (MANE Select); coding-DNA position 1380, C replaced by A.
Protein change: p.Gly460=; no amino-acid change (glycine 460 retained).
Molecular consequence: synonymous variant. On other transcripts: intron variant (1).
Genome position (GRCh38, 1-based): chr19:18,668,777, C>A. VCF-style: chr19-18668777-C-A. GRCh37 (hg19) VCF-style: chr19-18779587-C-A.
Other names: c.1467C>A, p.Gly489= (NM_001345981.2); c.1347C>A, p.Gly449= (NM_001345982.2); c.1110C>A, p.Gly370= (NM_001345983.2); c.406-465C>A (NM_001345984.2).
Identifiers: ClinVar variation 2649590 (VCV002649590.24), dbSNP rs2513455621, ClinGen allele CA506117121.